The following is an entry in ClinVar:

ClinVar aggregate classification (germline): Benign/Likely benign. Review status: criteria provided, multiple submitters, no conflicts (2 of 4 stars). 8 submissions from 6 submitters: Benign (5); Likely benign (3). Last evaluated 2025-12-08.

Conditions:
Amyotrophic lateral sclerosis type 4 (ALS4). Also called: AMYOTROPHIC LATERAL SCLEROSIS 4, JUVENILE; NEURONOPATHY, DISTAL HEREDITARY MOTOR, WITH PYRAMIDAL FEATURES. Identifiers: Orphanet 357043, MedGen C1865409, MONDO:0011223, OMIM 602433.
Spinocerebellar ataxia, autosomal recessive, with axonal neuropathy 2 (SCAN2). Also called: Ataxia-ocular apraxia-2; Ataxia with Oculomotor Apraxia; ATAXIA-OCULOMOTOR APRAXIA 2; Ataxia with Oculomotor Apraxia Type 2. Identifiers: Orphanet 64753, MedGen C1853761, MONDO:0018996, OMIM 606002.

Allele frequency attached by ClinVar (database versions not stated): ESP Exome Variant Server 0.00008; gnomAD 0.00008 and 0.00034; TOPMed 0.00010; gnomAD exomes 0.00018 and 0.00084; ExAC 0.00027; 1000 Genomes Project 30x 0.00187; 1000 Genomes Project 0.00240.
gnomAD v4.1: 1,242 of 1,613,916 alleles (0.077%); highest among the groups gnomAD compares: East Asian, 2.7%; 32 homozygotes.

Submissions (8):

Labcorp Genetics (formerly Invitae), Labcorp
Classification: Benign for Amyotrophic lateral sclerosis type 4; Spinocerebellar ataxia, autosomal recessive, with axonal neuropathy 2. Last evaluated: 2025-12-08. Review status: criteria provided, single submitter. Criteria: Invitae Variant Classification Sherloc (09022015). Collection method: clinical testing. Allele origin: germline.

Mayo Clinic Laboratories, Mayo Clinic
Classification: Benign. Last evaluated: 2025-05-07. Review status: criteria provided, single submitter. Criteria: ACMG Guidelines, 2015. Collection method: clinical testing. Allele origin: germline. Observed: 1 variant allele.
Comment: BS1, BS2, BP4

Blueprint Genetics
Classification: Benign. Last evaluated: 2024-10-31. Review status: criteria provided, single submitter. Criteria: ACMG Guidelines, 2015. Collection method: clinical testing. Allele origin: germline.

Genome-Nilou Lab
Classification: Likely benign for Spinocerebellar ataxia, autosomal recessive, with axonal neuropathy 2. Last evaluated: 2023-02-08. Review status: criteria provided, single submitter. Criteria: ACMG Guidelines, 2015. Collection method: clinical testing. Allele origin: germline.

Genome-Nilou Lab
Classification: Likely benign for Amyotrophic lateral sclerosis type 4. Last evaluated: 2023-02-08. Review status: criteria provided, single submitter. Criteria: ACMG Guidelines, 2015. Collection method: clinical testing. Allele origin: germline.

Athena Diagnostics
Classification: Benign. Last evaluated: 2021-06-07. Review status: criteria provided, single submitter. Criteria: Athena Diagnostics criteria. Collection method: clinical testing. Allele origin: unknown.

Illumina Laboratory Services, Illumina
Classification: Benign for Amyotrophic lateral sclerosis type 4. Last evaluated: 2018-01-12. Review status: criteria provided, single submitter. Criteria: ICSL Variant Classification Criteria 13 December 2019. Collection method: clinical testing. Allele origin: germline.
Comment: This variant was observed in the ICSL laboratory as part of a predisposition screen in an ostensibly healthy population. It had not been previously curated by ICSL or reported in the Human Gene Mutation Database (HGMD: prior to June 1st, 2018), and was therefore a candidate for classification through an automated scoring system. Utilizing variant allele frequency, disease prevalence and penetrance estimates, and inheritance mode, an automated score was calculated to assess if this variant is too frequent to cause the disease. Based on the score and internal cut-off values, a variant classified as benign is not then subjected to further curation. The score for this variant resulted in a classification of benign for this disease.

Illumina Laboratory Services, Illumina
Classification: Likely benign for Spinocerebellar ataxia, autosomal recessive, with axonal neuropathy 2. Last evaluated: 2018-01-12. Review status: criteria provided, single submitter. Criteria: ICSL Variant Classification Criteria 13 December 2019. Collection method: clinical testing. Allele origin: germline.
Comment: This variant was observed in the ICSL laboratory as part of a predisposition screen in an ostensibly healthy population. It had not been previously curated by ICSL or reported in the Human Gene Mutation Database (HGMD: prior to June 1st, 2018), and was therefore a candidate for classification through an automated scoring system. Utilizing variant allele frequency, disease prevalence and penetrance estimates, and inheritance mode, an automated score was calculated to assess if this variant is too frequent to cause the disease. Based on the score and internal cut-off values, a variant classified as likely benign is not then subjected to further curation. The score for this variant resulted in a classification of likely benign for this disease.

NM_015046.7(SETX):c.3103A>G (p.Lys1035Glu)

Gene: SETX (senataxin; minus strand). Cytogenetic location: 9q34.13.
Variant type: single nucleotide variant.
Coding change: c.3103A>G on transcript NM_015046.7 (MANE Select); coding-DNA position 3103, A replaced by G.
Protein change: p.Lys1035Glu; replaces lysine 1035 with glutamic acid.
Molecular consequence: missense variant.
Genome position (GRCh38, 1-based): chr9:132,328,495, T>C on the plus strand (A>G on the coding strand, the complement: SETX is on the minus strand). VCF-style: chr9-132328495-T-C. GRCh37 (hg19) VCF-style: chr9-135203882-T-C.
Other names: p.Lys1035Glu; c.3103A>G, p.Lys1035Glu (NM_001351527.2, NM_001351528.2); short protein forms K1035E.
Identifiers: ClinVar variation 365362 (VCV000365362.17), dbSNP rs117229601, ClinGen allele CA5297473.